The following is an entry in ClinVar:

ClinVar aggregate classification (germline): Uncertain significance (1 of 4 stars; one submission).

Submission:

Ambry Genetics
Classification: Uncertain significance. Last evaluated: 2024-01-06. Review status: criteria provided, single submitter. Criteria: Ambry Variant Classification Scheme 2023. Collection method: clinical testing. Allele origin: germline.
Comment: The p.T268I variant (also known as c.803C>T), located in coding exon 1 of the EGLN1 gene, results from a C to T substitution at nucleotide position 803. The threonine at codon 268 is replaced by isoleucine, an amino acid with similar properties. This amino acid position is conserved. In addition, this alteration is predicted to be tolerated by in silico analysis. Since supporting evidence is limited at this time, the clinical significance of this alteration remains unclear.

NM_022051.3(EGLN1):c.803C>T (p.Thr268Ile)

Genes: EGLN1 (egl-9 family hypoxia inducible factor 1; minus strand), LOC129932769 (ATAC-STARR-seq lymphoblastoid active region 2730; plus strand). Cytogenetic location: 1q42.2.
Variant type: single nucleotide variant.
Coding change: c.803C>T on transcript NM_022051.3 (MANE Select); coding-DNA position 803, C replaced by T.
Protein change: p.Thr268Ile; replaces threonine 268 with isoleucine.
Molecular consequence: missense variant.
Genome position (GRCh38, 1-based): chr1:231,421,086, G>A on the plus strand (C>T on the coding strand, the complement: EGLN1 is on the minus strand). VCF-style: chr1-231421086-G-A. GRCh37 (hg19) VCF-style: chr1-231556832-G-A.
Other names: c.803C>T, p.Thr268Ile (NM_001377260.1, NM_001377261.1); short protein forms T268I.
Identifiers: ClinVar variation 3227745 (VCV003227745.1), dbSNP rs2527358527, ClinGen allele CA345235148.